The following is an entry in ClinVar:

ClinVar aggregate classification (germline): Uncertain significance. Review status: criteria provided, multiple submitters, no conflicts (2 of 4 stars). 2 submissions from 2 submitters: Uncertain significance (2). Last evaluated 2025-11-07.

Conditions:
Inborn genetic diseases. Identifiers: MedGen C0950123, MeSH D030342.

Allele frequency attached by ClinVar (database versions not stated): gnomAD exomes 0.00001; TOPMed 0.00003; gnomAD 0.00004.
gnomAD v4.1: 16 of 1,209,854 alleles (0.0013%); highest among the groups gnomAD compares: Non-Finnish European, 0.0017%; no homozygotes.

Submissions (2):

Ambry Genetics
Classification: Uncertain significance for Inborn genetic diseases. Last evaluated: 2025-11-07. Review status: criteria provided, single submitter. Criteria: Ambry Variant Classification Scheme 2023. Collection method: clinical testing. Allele origin: germline.

Labcorp Genetics (formerly Invitae), Labcorp
Classification: Uncertain significance. Last evaluated: 2021-08-26. Review status: criteria provided, single submitter. Criteria: Invitae Variant Classification Sherloc (09022015). Collection method: clinical testing. Allele origin: germline.
Comment: This sequence change replaces proline with arginine at codon 612 of the FRMD7 protein (p.Pro612Arg). The proline residue is moderately conserved and there is a moderate physicochemical difference between proline and arginine. This variant is not present in population databases (ExAC no frequency). This variant has not been reported in the literature in individuals affected with FRMD7-related conditions. Algorithms developed to predict the effect of missense changes on protein structure and function are either unavailable or do not agree on the potential impact of this missense change (SIFT: "Tolerated"; PolyPhen-2: "Probably Damaging"; Align-GVGD: "Class C0"). In summary, the available evidence is currently insufficient to determine the role of this variant in disease. Therefore, it has been classified as a Variant of Uncertain Significance.

NM_194277.3(FRMD7):c.1835C>G (p.Pro612Arg)

Gene: FRMD7 (FERM domain containing 7; minus strand). Cytogenetic location: Xq26.2.
Variant type: single nucleotide variant.
Coding change: c.1835C>G on transcript NM_194277.3 (MANE Select); coding-DNA position 1835, C replaced by G.
Protein change: p.Pro612Arg; replaces proline 612 with arginine.
Molecular consequence: missense variant.
Genome position (GRCh38, 1-based): chrX:132,078,182, G>C on the plus strand (C>G on the coding strand, the complement: FRMD7 is on the minus strand). VCF-style: chrX-132078182-G-C. GRCh37 (hg19) VCF-style: chrX-131212210-G-C.
Other names: c.1835C>G (NM_194277.2); c.1790C>G, p.Pro597Arg (NM_001306193.2); short protein forms P597R, P612R.
Identifiers: ClinVar variation 1056889 (VCV001056889.9), dbSNP rs1411401871, ClinGen allele CA414678193.
Genomic context (GRCh38, chrX:132,078,182, plus strand): 5'-AACTCCTGCTCTGCAAACATATCCGTAAACAGGTCTGCTTTATGACTGAGAGCAGGACAA[G>C]GCCCTAAAGGTCTAAATTCTGACCCAAAAGGAAAACGAATAGTTTTCATGTCTGATTGGC-3'
Protein context (NP_919253.1, residues 602-622): PFGSEFRPLG[Pro612Arg]CPALSHKADL